The following is an entry in ClinVar:

NM_004409.5(DMPK):c.*224CTG[195]

Genes: DM1-AS (DM1 locus antisense RNA; plus strand), DMPK (DM1 protein kinase; minus strand), LOC107075317 (origin of replication in DMPK trinucleotide repeat region; plus strand), LOC109461477 (dystrophia myotonica protein kinase repeat instability region; plus strand). Cytogenetic location: 19q13.32.
Variant type: Microsatellite.
Coding change: c.*224CTG[195] on transcript NM_004409.5 (MANE Select); 195 copies in a row of the 3-base unit CTG starting at c.*224.
Molecular consequence: 3 prime UTR variant.
Genome position: GRCh38, VCF-style position (the base before the change): chr19:45,770,204. GRCh37 (hg19), VCF-style position (the base before the change): chr19:46,273,462.
Other names: DM1 CTG repeat expansion; c.*224CTG[195] (NM_001081560.3, NM_001288764.2, NM_001424165.1 and 1 more transcripts); c.*217CTG[195] (NM_001081562.3, NM_001288765.2, NM_001424162.1 and 2 more transcripts); c.*222_*224TGC[195] (NM_001081563.3); c.*369CTG[195] (NM_001288766.2, NM_001424164.1, NM_001424168.1).
Identifiers: ClinVar variation 187935 (VCV000187935.1), ClinGen allele CA915951731.

ClinVar aggregate classification (germline): Pathogenic (0 of 4 stars; one submission).

Conditions:
Steinert myotonic dystrophy syndrome (DM1). Also called: STEINERT DISEASE; Myotonic dystrophy type 1; Dystrophia myotonica type 1; Steinert myotonic dystrophy; Steinert's disease. Identifiers: Orphanet 273, MedGen C3250443, MONDO:0008056, OMIM 160900.

Submission:

Institute of Molecular, Cell and Systems Biology, University of Glasgow
Classification: Pathogenic for Steinert myotonic dystrophy syndrome. Review status: no assertion criteria provided. Criteria: research. Collection method: research. Allele origin: germline. Inheritance: Autosomal dominant inheritance. Affected: yes. Observed: 1 heterozygote.
Comment: DMPK CTG repeat expansions greater than approximately 45-50 repeats are assumed to be pathogenic

This record is based on data published in PubMed 25052313, which reports only ClinVar accessions SCV000120188 and SCV000120189. The complete data set includes SCV000207445 - SCV000207579.

Literature cited by the submitters: PubMed 1346923; PubMed 1546326; PubMed 25052313.